The following is an entry in ClinVar:

NM_020207.7(ERCC6L2):c.269A>G (p.Glu90Gly)

Gene: ERCC6L2 (ERCC excision repair 6 like 2; plus strand). Cytogenetic location: 9q22.32.
Variant type: single nucleotide variant.
Coding change: c.269A>G on transcript NM_020207.7 (MANE Select); coding-DNA position 269, A replaced by G.
Protein change: p.Glu90Gly; replaces glutamic acid 90 with glycine.
Molecular consequence: missense variant. On other transcripts: non-coding transcript variant (1).
Genome position (GRCh38, 1-based): chr9:95,881,091, A>G. VCF-style: chr9-95881091-A-G. GRCh37 (hg19) VCF-style: chr9-98643373-A-G.
Other names: c.269A>G, p.Glu90Gly (NM_001010895.4, NM_001375291.1, NM_001375292.1 and 2 more transcripts); short protein forms E90G.
Identifiers: ClinVar variation 3845932 (VCV003845932.1).

ClinVar aggregate classification (germline): Uncertain significance (1 of 4 stars; one submission).

Conditions:
Inborn genetic diseases. Identifiers: MedGen C0950123, MeSH D030342.

Submission:

Ambry Genetics
Classification: Uncertain significance for Inborn genetic diseases. Last evaluated: 2025-02-14. Review status: criteria provided, single submitter. Criteria: Ambry Variant Classification Scheme 2023. Collection method: clinical testing. Allele origin: germline.
Comment: The p.E90G variant (also known as c.269A>G), located in coding exon 2 of the ERCC6L2 gene, results from an A to G substitution at nucleotide position 269. The glutamic acid at codon 90 is replaced by glycine, an amino acid with similar properties. This amino acid position is conserved. In addition, the in silico prediction for this alteration is inconclusive. Based on the available evidence, the clinical significance of this variant remains unclear.